The following is an entry in ClinVar:

ClinVar aggregate classification (germline): Pathogenic (1 of 4 stars; one submission).

Submission:

Labcorp Genetics (formerly Invitae), Labcorp
Classification: Pathogenic. Last evaluated: 2024-05-09. Review status: criteria provided, single submitter. Criteria: Invitae Variant Classification Sherloc (09022015). Collection method: clinical testing. Allele origin: germline.
Comment: This sequence change creates a premature translational stop signal (p.Leu1259Alafs*14) in the PTPN23 gene. It is expected to result in an absent or disrupted protein product. Loss-of-function variants in PTPN23 are known to be pathogenic (PMID: 29090338, 29899372). This variant is present in population databases (rs758419807, gnomAD 0.003%). This variant has not been reported in the literature in individuals affected with PTPN23-related conditions. ClinVar contains an entry for this variant (Variation ID: 2134575). For these reasons, this variant has been classified as Pathogenic.

Literature cited by the submitters: PubMed 29090338; PubMed 29899372.

NM_015466.4(PTPN23):c.3773dup (p.Leu1259fs)

Gene: PTPN23 (protein tyrosine phosphatase non-receptor type 23; plus strand). Cytogenetic location: 3p21.31.
Variant type: Duplication.
Coding change: c.3773dup on transcript NM_015466.4 (MANE Select); coding-DNA position 3773, one base duplicated (C; older notation c.3773dupC).
Protein change: p.Leu1259fs; shifts the reading frame from leucine 1259.
Molecular consequence: frameshift variant.
Genome position (GRCh38, 1-based): chr3:47,411,571, C duplicated; the last of 6 consecutive C bases (chr3:47,411,566-47,411,571); duplicating any one gives the same sequence. VCF-style (leftmost placement, unchanged base first): chr3-47411565-G-GC. GRCh37 (hg19) VCF-style: chr3-47453055-G-GC.
Other names: c.3395dup, p.Leu1133fs (NM_001304482.2); short protein forms L1133fs, L1259fs.
Identifiers: ClinVar variation 2134575 (VCV002134575.4), dbSNP rs758419807, ClinGen allele CA2366345.
Genomic context (GRCh38, chr3:47,411,565, plus strand): 5'-TGCGCTCAGGCAAGGATGACTACATCAATGCCAGCTGCGTGGAGGGGCTCTCCCCATACT[G>GC]CCCCCCGCTAGTGGCAACCCAGGCCCCACTGCCTGGCACAGCTGCTGACTTCTGGCTCAT-3'